The following is an entry in ClinVar:

ClinVar aggregate classification (germline): Likely benign. Review status: criteria provided, single submitter (1 of 4 stars). 2 submissions from 2 submitters: Likely benign (1). 1 of the submissions does not count toward it. Last evaluated 2025-01-01.

Conditions:
NBEA-related disorder. Also called: NBEA-related condition.

Allele frequency attached by ClinVar (database versions not stated): ExAC 0.00005; gnomAD 0.00009; 1000 Genomes Project 30x 0.00016; 1000 Genomes Project 0.00020; gnomAD exomes 0.00022.
gnomAD v4.1: 332 of 1,613,626 alleles (0.021%); highest among the groups gnomAD compares: Non-Finnish European, 0.027%; no homozygotes.

Submissions (2):

CeGaT Center for Human Genetics Tuebingen
Classification: Likely benign. Last evaluated: 2025-01-01. Review status: criteria provided, single submitter. Criteria: CeGaT Center For Human Genetics Tuebingen Variant Classification Criteria Version 2. Collection method: clinical testing. Allele origin: germline. Affected: yes. Observed: 1 variant allele.
Comment: NBEA: BP4, BP7

PreventionGenetics, part of Exact Sciences
Classification: Likely benign for NBEA-related condition. Last evaluated: 2019-06-24. Review status: no assertion criteria provided. Collection method: clinical testing. Allele origin: germline. Not counted in ClinVar's aggregate classification.
Comment: This variant is classified as likely benign based on ACMG/AMP sequence variant interpretation guidelines (Richards et al. 2015 PMID: 25741868, with internal and published modifications).

NM_001385012.1(NBEA):c.276G>T (p.Val92=)

Gene: NBEA (neurobeachin; plus strand). Cytogenetic location: 13q13.3.
Variant type: single nucleotide variant.
Coding change: c.276G>T on transcript NM_001385012.1 (MANE Select); coding-DNA position 276, G replaced by T.
Protein change: p.Val92=; no amino-acid change (valine 92 retained).
Molecular consequence: synonymous variant.
Genome position (GRCh38, 1-based): chr13:34,943,096, G>T. VCF-style: chr13-34943096-G-T. GRCh37 (hg19) VCF-style: chr13-35517233-G-T.
Other names: c.276G>T, p.Val92= (NM_001379245.1, NM_015678.5).
Identifiers: ClinVar variation 3042500 (VCV003042500.15), dbSNP rs118003023, ClinGen allele CA6946029.
Genomic context (GRCh38, chr13:34,943,096, plus strand): 5'-GAAATTCGCAGTGTTGATTGGACTCATACAGGTCGGAGAGGTCAGCAACAGGGACATCGT[G>T]GAGACGGTGCTCAACCTGGTAAGGAAAAGGCGTGCTCTCAATCTGCTTCCCCAGTCCCCA-3'
Protein context (NP_001371941.1, residues 82-102): QVGEVSNRDI[Val92=]ETVLNLLVGG